The following is an entry in ClinVar:

NM_005591.4(MRE11):c.368T>G (p.Phe123Cys)

Gene: MRE11 (MRE11 double strand break repair nuclease; minus strand). Cytogenetic location: 11q21.
Variant type: single nucleotide variant.
Coding change: c.368T>G on transcript NM_005591.4 (MANE Select); coding-DNA position 368, T replaced by G.
Protein change: p.Phe123Cys; replaces phenylalanine 123 with cysteine.
Molecular consequence: missense variant.
Genome position (GRCh38, 1-based): chr11:94,479,708, A>C on the plus strand (T>G on the coding strand, the complement: MRE11 is on the minus strand). VCF-style: chr11-94479708-A-C. GRCh37 (hg19) VCF-style: chr11-94212874-A-C.
Other names: c.368T>G, p.Phe123Cys (NM_001330347.2, NM_005590.4); short protein forms F123C.
Identifiers: ClinVar variation 2970973 (VCV002970973.3), dbSNP rs776123191, ClinGen allele CA382378407.

ClinVar aggregate classification (germline): Uncertain significance (1 of 4 stars; one submission).

Conditions:
Ataxia-telangiectasia-like disorder (ATLD). Identifiers: MedGen C1858391, MONDO:0011457.

Submission:

Labcorp Genetics (formerly Invitae), Labcorp
Classification: Uncertain significance for Ataxia-telangiectasia-like disorder. Last evaluated: 2023-07-19. Review status: criteria provided, single submitter. Criteria: Invitae Variant Classification Sherloc (09022015). Collection method: clinical testing. Allele origin: germline.
Comment: This sequence change replaces phenylalanine, which is neutral and non-polar, with cysteine, which is neutral and slightly polar, at codon 123 of the MRE11 protein (p.Phe123Cys). This variant is not present in population databases (gnomAD no frequency). This variant has not been reported in the literature in individuals affected with MRE11-related conditions. An algorithm developed to predict the effect of missense changes on protein structure and function (PolyPhen-2) suggests that this variant is likely to be disruptive. In summary, the available evidence is currently insufficient to determine the role of this variant in disease. Therefore, it has been classified as a Variant of Uncertain Significance.